The following is an entry in ClinVar:

ClinVar aggregate classification (germline): Uncertain significance (1 of 4 stars; one submission).

Conditions:
Supravalvar aortic stenosis (SVAS). Also called: Supravalvar aortic stenosis, Eisenberg type. Identifiers: Orphanet 3193, MedGen C0003499, MONDO:0008504, OMIM 185500, HP:0004381.

Allele frequency attached by ClinVar (database versions not stated): gnomAD exomes below 0.00001; gnomAD 0.00001; TOPMed 0.00002.
gnomAD v4.1: 8 of 1,613,910 alleles (0.0005%); highest among the groups gnomAD compares: Non-Finnish European, 0.00059%; no homozygotes.

Submission:

Labcorp Genetics (formerly Invitae), Labcorp
Classification: Uncertain significance for Supravalvar aortic stenosis. Last evaluated: 2024-10-13. Review status: criteria provided, single submitter. Criteria: Invitae Variant Classification Sherloc (09022015). Collection method: clinical testing. Allele origin: germline.
Comment: This sequence change replaces leucine, which is neutral and non-polar, with phenylalanine, which is neutral and non-polar, at codon 70 of the ELN protein (p.Leu70Phe). This variant is not present in population databases (gnomAD no frequency). This variant has not been reported in the literature in individuals affected with ELN-related conditions. ClinVar contains an entry for this variant (Variation ID: 2045262). Invitae Evidence Modeling of protein sequence and biophysical properties (such as structural, functional, and spatial information, amino acid conservation, physicochemical variation, residue mobility, and thermodynamic stability) indicates that this missense variant is not expected to disrupt ELN protein function with a negative predictive value of 80%. In summary, the available evidence is currently insufficient to determine the role of this variant in disease. Therefore, it has been classified as a Variant of Uncertain Significance.

NM_000501.4(ELN):c.208C>T (p.Leu70Phe)

Gene: ELN (elastin; plus strand). Cytogenetic location: 7q11.23.
Variant type: single nucleotide variant.
Coding change: c.208C>T on transcript NM_000501.4 (MANE Select); coding-DNA position 208, C replaced by T.
Protein change: p.Leu70Phe; replaces leucine 70 with phenylalanine.
Molecular consequence: missense variant. On other transcripts: intron variant (1).
Genome position (GRCh38, 1-based): chr7:74,041,227, C>T. VCF-style: chr7-74041227-C-T. GRCh37 (hg19) VCF-style: chr7-73455557-C-T.
Other names: c.178C>T, p.Leu60Phe (NM_001081752.3, NM_001278914.2, NM_001278917.2 and 1 more transcripts); c.208C>T, p.Leu70Phe (NM_001081753.3, NM_001081754.3, NM_001081755.3 and 4 more transcripts); c.197-1387C>T (NM_001278913.2); short protein forms L60F, L70F.
Identifiers: ClinVar variation 2045262 (VCV002045262.4), dbSNP rs1164562093, ClinGen allele CA367869090.
Genomic context (GRCh38, chr7:74,041,227, plus strand): 5'-TGGGCCTAGGAACACTGCCTACACTCCTGTCTCTGTTTCTTATCCACAGTTCCCGGAGGG[C>T]TTGCGGGTGCTGGCCTTGGGGCAGGTGAGTGCTGACACCCAAGAAAGATATCCCCTGTGG-3'
Protein context (NP_000492.2, residues 60-80): GKPLKPVPGG[Leu70Phe]AGAGLGAGLG